The following is an entry in ClinVar:

NM_006231.4(POLE):c.5472G>C (p.Trp1824Cys)

Gene: POLE (DNA polymerase epsilon, catalytic subunit; minus strand). Cytogenetic location: 12q24.33.
Variant type: single nucleotide variant.
Coding change: c.5472G>C on transcript NM_006231.4 (MANE Select); coding-DNA position 5472, G replaced by C.
Protein change: p.Trp1824Cys; replaces tryptophan 1824 with cysteine.
Molecular consequence: missense variant.
Genome position (GRCh38, 1-based): chr12:132,639,205, C>G on the plus strand (G>C on the coding strand, the complement: POLE is on the minus strand). VCF-style: chr12-132639205-C-G. GRCh37 (hg19) VCF-style: chr12-133215791-C-G.
Other names: short protein forms W1824C.
Identifiers: ClinVar variation 1003579 (VCV001003579.12), dbSNP rs929928230, ClinGen allele CA246299757.

ClinVar aggregate classification (germline): Uncertain significance. Review status: criteria provided, multiple submitters, no conflicts (2 of 4 stars). 2 submissions from 2 submitters: Uncertain significance (2). Last evaluated 2025-01-14.

Conditions:
Hereditary cancer-predisposing syndrome. Also called: Hereditary neoplastic syndrome; Neoplastic Syndromes, Hereditary; Tumor predisposition; Hereditary Cancer Syndrome. Identifiers: Orphanet 140162, MedGen C0027672, MeSH D009386, MONDO:0015356.

Allele frequency attached by ClinVar (database versions not stated): gnomAD exomes below 0.00001.
gnomAD v4.1: 2 of 1,614,068 alleles (0.00012%); highest among the groups gnomAD compares: Non-Finnish European, 0.000085%; no homozygotes.

Submissions (2):

Labcorp Genetics (formerly Invitae), Labcorp
Classification: Uncertain significance. Last evaluated: 2025-01-14. Review status: criteria provided, single submitter. Criteria: Invitae Variant Classification Sherloc (09022015). Collection method: clinical testing. Allele origin: germline.
Comment: This sequence change replaces tryptophan, which is neutral and slightly polar, with cysteine, which is neutral and slightly polar, at codon 1824 of the POLE protein (p.Trp1824Cys). This variant is not present in population databases (gnomAD no frequency). This variant has not been reported in the literature in individuals affected with POLE-related conditions. ClinVar contains an entry for this variant (Variation ID: 1003579). Invitae Evidence Modeling of protein sequence and biophysical properties (such as structural, functional, and spatial information, amino acid conservation, physicochemical variation, residue mobility, and thermodynamic stability) indicates that this missense variant is expected to disrupt POLE protein function with a positive predictive value of 80%. In summary, the available evidence is currently insufficient to determine the role of this variant in disease. Therefore, it has been classified as a Variant of Uncertain Significance.

Ambry Genetics
Classification: Uncertain significance for Hereditary cancer-predisposing syndrome. Last evaluated: 2024-06-28. Review status: criteria provided, single submitter. Criteria: Ambry Variant Classification Scheme 2023. Collection method: clinical testing. Allele origin: germline.
Comment: The p.W1824C variant (also known as c.5472G>C), located in coding exon 40 of the POLE gene, results from a G to C substitution at nucleotide position 5472. The tryptophan at codon 1824 is replaced by cysteine, an amino acid with highly dissimilar properties. This amino acid position is conserved. In addition, this alteration is predicted to be deleterious by in silico analysis. Since supporting evidence is limited at this time, the clinical significance of this alteration remains unclear.